The following is an entry in ClinVar:

NM_000439.5(PCSK1):c.834G>A (p.Glu278=)

Genes: CAST (calpastatin; plus strand), PCSK1 (proprotein convertase subtilisin/kexin type 1; minus strand), LOC101929710 (uncharacterized LOC101929710; plus strand). Cytogenetic location: 5q15.
Variant type: single nucleotide variant.
Coding change: c.834G>A on transcript NM_000439.5 (MANE Select); coding-DNA position 834, G replaced by A.
Protein change: p.Glu278=; no amino-acid change (glutamic acid 278 retained).
Molecular consequence: synonymous variant. On other transcripts: intron variant (11).
Genome position (GRCh38, 1-based): chr5:96,412,366, C>T on the plus strand (G>A on the coding strand, the complement: PCSK1 is on the minus strand). VCF-style: chr5-96412366-C-T. GRCh37 (hg19) VCF-style: chr5-95748070-C-T.
Other names: c.693G>A, p.Glu231= (NM_001177875.2); c.-175+32714C>T (NM_001423254.1, NM_001423259.1, NM_001423255.1 and 6 more transcripts); c.-103+32714C>T (NM_001423253.1); c.-40+32714C>T (NM_001423258.1).
Identifiers: ClinVar variation 2991079 (VCV002991079.4), dbSNP rs147381652, ClinGen allele CA3350369.

ClinVar aggregate classification (germline): Likely benign. Review status: criteria provided, single submitter (1 of 4 stars). 2 submissions from 2 submitters: Likely benign (1). 1 of the submissions does not count toward it. Last evaluated 2024-07-12.

Conditions:
PCSK1-related disorder. Also called: PCSK1-related condition.

Allele frequency attached by ClinVar (database versions not stated): gnomAD exomes 0.00001; ExAC 0.00006; 1000 Genomes Project 30x 0.00047; ESP Exome Variant Server 0.00008; 1000 Genomes Project 0.00040.
gnomAD v4.1: 27 of 1,614,186 alleles (0.0017%); highest among the groups gnomAD compares: African/African-American, 0.032%; 1 homozygote.

Submissions (2):

Labcorp Genetics (formerly Invitae), Labcorp
Classification: Likely benign. Last evaluated: 2024-07-12. Review status: criteria provided, single submitter. Criteria: Invitae Variant Classification Sherloc (09022015). Collection method: clinical testing. Allele origin: germline.

PreventionGenetics, part of Exact Sciences
Classification: Likely benign for PCSK1-related condition. Last evaluated: 2021-04-21. Review status: no assertion criteria provided. Collection method: clinical testing. Allele origin: germline. Not counted in ClinVar's aggregate classification.
Comment: This variant is classified as likely benign based on ACMG/AMP sequence variant interpretation guidelines (Richards et al. 2015 PMID: 25741868, with internal and published modifications).